The following is an entry in ClinVar:

NM_018006.5(TRMU):c.246C>G (p.Phe82Leu)

Gene: TRMU (tRNA mitochondrial 2-thiouridylase; plus strand). Cytogenetic location: 22q13.31.
Variant type: single nucleotide variant.
Coding change: c.246C>G on transcript NM_018006.5 (MANE Select); coding-DNA position 246, C replaced by G.
Protein change: p.Phe82Leu; replaces phenylalanine 82 with leucine.
Molecular consequence: missense variant. On other transcripts: nonsense (1), 5 prime UTR variant (2), non-coding transcript variant (2).
Genome position (GRCh38, 1-based): chr22:46,337,942, C>G. VCF-style: chr22-46337942-C-G. GRCh37 (hg19) VCF-style: chr22-46733839-C-G.
Other names: c.11C>G, p.Ser4Ter (NM_001282782.2); c.-9C>G (NM_001282783.2, NM_001282784.2); c.246C>G, p.Phe82Leu (NM_001282785.2); short protein forms F82L, S4*.
Identifiers: ClinVar variation 393172 (VCV000393172.4), dbSNP rs1057524822, ClinGen allele CA16608640.

ClinVar aggregate classification (germline): Likely pathogenic (1 of 4 stars; one submission).

Allele frequency attached by ClinVar (database versions not stated): TOPMed below 0.00001.

Submission:

GeneDx
Classification: Likely pathogenic. Last evaluated: 2020-02-11. Review status: criteria provided, single submitter. Criteria: GeneDx Variant Classification Process June 2021. Collection method: clinical testing. Allele origin: germline. Affected: yes.
Comment: Not observed in large population cohorts (Lek et al., 2016); In silico analysis supports that this missense variant has a deleterious effect on protein structure/function; Has not been previously published as pathogenic or benign to our knowledge